The following is an entry in ClinVar:

NM_003036.4(SKI):c.1608T>C (p.Ser536=)

Gene: SKI (SKI proto-oncogene; plus strand). Cytogenetic location: 1p36.32.
Variant type: single nucleotide variant.
Coding change: c.1608T>C on transcript NM_003036.4 (MANE Select); coding-DNA position 1608, T replaced by C.
Protein change: p.Ser536=; no amino-acid change (serine 536 retained).
Molecular consequence: synonymous variant.
Genome position (GRCh38, 1-based): chr1:2,304,426, T>C. VCF-style: chr1-2304426-T-C. GRCh37 (hg19) VCF-style: chr1-2235865-T-C.
Identifiers: ClinVar variation 516984 (VCV000516984.2), dbSNP rs1553201055, ClinGen allele CA415774939.
Genomic context (GRCh38, chr1:2,304,426, plus strand): 5'-GGGTGCGCGTGCCCTGCCCTCGGCCGTCCCTGATGCTGCGGCCCCTGCCGACGCCCCCAG[T>C]GGGCTGGAGGCGGAGCTGGAGCACCTGCGGCAGGCACTGGAGGGCGGCCTGGACACCAAG-3'
Protein context (NP_003027.1, residues 526-546): PDAAAPADAP[Ser536=]GLEAELEHLR

ClinVar aggregate classification (germline): Likely benign. Review status: criteria provided, multiple submitters, no conflicts (2 of 4 stars). 2 submissions from 2 submitters: Likely benign (2). Last evaluated 2025-09-12.

Conditions:
Familial thoracic aortic aneurysm and aortic dissection (TAAD). Also called: Thoracic aortic aneurysms and dissections. Identifiers: Orphanet 91387, MedGen C4707243, MONDO:0019625.

Submissions (2):

Ambry Genetics
Classification: Likely benign for Familial thoracic aortic aneurysm and aortic dissection. Last evaluated: 2025-09-12. Review status: criteria provided, single submitter. Criteria: Ambry Variant Classification Scheme 2023. Collection method: clinical testing. Allele origin: germline.

GeneDx
Classification: Likely benign. Last evaluated: 2017-08-07. Review status: criteria provided, single submitter. Criteria: GeneDx Variant Classification (06012015). Collection method: clinical testing. Allele origin: germline. Affected: yes.
Comment: This variant is considered likely benign or benign based on one or more of the following criteria: it is a conservative change, it occurs at a poorly conserved position in the protein, it is predicted to be benign by multiple in silico algorithms, and/or has population frequency not consistent with disease.